The following is an entry in ClinVar:

NM_000127.3(EXT1):c.1021A>T (p.Arg341Trp)

Gene: EXT1 (exostosin glycosyltransferase 1; minus strand). Cytogenetic location: 8q24.11.
Variant type: single nucleotide variant.
Coding change: c.1021A>T on transcript NM_000127.3 (MANE Select); coding-DNA position 1021, A replaced by T.
Protein change: p.Arg341Trp; replaces arginine 341 with tryptophan.
Molecular consequence: missense variant.
Genome position (GRCh38, 1-based): chr8:117,837,143, T>A on the plus strand (A>T on the coding strand, the complement: EXT1 is on the minus strand). VCF-style: chr8-117837143-T-A. GRCh37 (hg19) VCF-style: chr8-118849382-T-A.
Other names: short protein forms R341W.
Identifiers: ClinVar variation 451765 (VCV000451765.11), dbSNP rs1554580149, ClinGen allele CA371893285.

ClinVar aggregate classification (germline): Likely pathogenic. Review status: criteria provided, multiple submitters, no conflicts (2 of 4 stars). 2 submissions from 2 submitters: Likely pathogenic (2). Last evaluated 2022-11-29.

Conditions:
Multiple congenital exostosis (EXT). Also called: Multiple osteochondromas; MULTIPLE CARTILAGINOUS EXOSTOSES; Hereditary multiple osteochondromas; Multiple exostoses; Hereditary multiple exostoses; Hereditary multiple exostosis. Identifiers: Orphanet 321, MedGen C0015306, MONDO:0005508, HP:0002762.

Submissions (2):

Labcorp Genetics (formerly Invitae), Labcorp
Classification: Likely pathogenic for Multiple congenital exostosis. Last evaluated: 2022-11-29. Review status: criteria provided, single submitter. Criteria: Invitae Variant Classification Sherloc (09022015). Collection method: clinical testing. Allele origin: germline.
Comment: This missense change has been observed in individual(s) with clinical features of hereditary multiple osteochondromas (Invitae). In summary, the currently available evidence indicates that the variant is pathogenic, but additional data are needed to prove that conclusively. Therefore, this variant has been classified as Likely Pathogenic. This variant disrupts the p.Arg341 amino acid residue in EXT1. Other variant(s) that disrupt this residue have been determined to be pathogenic (PMID: 19810120, 23439489). This suggests that this residue is clinically significant, and that variants that disrupt this residue are likely to be disease-causing. Advanced modeling of protein sequence and biophysical properties (such as structural, functional, and spatial information, amino acid conservation, physicochemical variation, residue mobility, and thermodynamic stability) performed at Invitae indicates that this missense variant is expected to disrupt EXT1 protein function. ClinVar contains an entry for this variant (Variation ID: 451765). This variant is not present in population databases (gnomAD no frequency). This sequence change replaces arginine, which is basic and polar, with tryptophan, which is neutral and slightly polar, at codon 341 of the EXT1 protein (p.Arg341Trp).

GeneDx
Classification: Likely pathogenic. Last evaluated: 2017-09-27. Review status: criteria provided, single submitter. Criteria: GeneDx Variant Classification (06012015). Collection method: clinical testing. Allele origin: germline. Affected: yes.
Comment: The R341W variant in the EXT1 gene has not been published as a pathogenic variant, nor has it been reported as a benign variant to our knowledge. The variant is not observed in large population cohorts (Lek et al., 2016; 1000 Genomes Consortium et al., 2015; Exome Variant Server). R341W is a non-conservative amino acid substitution, which is likely to impact secondary protein structure as these residues differ in polarity, charge, size and/or other properties. This substitution occurs at a position that is conserved across species, and in silico analysis predicts this variant is probably damaging to the protein structure/function. In summary, we consider this variant to be likely pathogenic.

Literature cited by the submitters: PubMed 19810120 (cited by Labcorp Genetics (formerly Invitae), Labcorp); PubMed 23439489 (cited by Labcorp Genetics (formerly Invitae), Labcorp).